The following is an entry in ClinVar:

ClinVar aggregate classification (germline): Conflicting classifications of pathogenicity. Review status: criteria provided, conflicting classifications (1 of 4 stars). 3 submissions from 3 submitters: Uncertain significance (2); Likely benign (1). Last evaluated 2025-06-20.

Conditions:
Hereditary cancer-predisposing syndrome. Also called: Neoplastic Syndromes, Hereditary; Hereditary Cancer Syndrome; Tumor predisposition; Hereditary neoplastic syndrome. Identifiers: Orphanet 140162, MedGen C0027672, MeSH D009386, MONDO:0015356.
Hereditary breast ovarian cancer syndrome. Also called: Breast and ovarian cancer; Hereditary breast and ovarian cancer; Hereditary breast and ovarian cancer syndrome; Hereditary breast and ovarian cancer syndrome (HBOC); BRCA1- and BRCA2-Associated Hereditary Breast and Ovarian Cancer; Hereditary breast and/or ovarian cancer syndrome. Identifiers: Orphanet 145, MedGen C0677776, MeSH D061325, MONDO:0003582. Disease mechanism: loss of function.

Allele frequency attached by ClinVar (database versions not stated): TOPMed below 0.00001.

Submissions (3):

Ambry Genetics
Classification: Uncertain significance for Hereditary cancer-predisposing syndrome. Last evaluated: 2025-06-20. Review status: criteria provided, single submitter. Criteria: Ambry Variant Classification Scheme 2023. Collection method: clinical testing. Allele origin: germline.
Comment: The p.S1659F variant (also known as c.4976C>T), located in coding exon 10 of the BRCA2 gene, results from a C to T substitution at nucleotide position 4976. The serine at codon 1659 is replaced by phenylalanine, an amino acid with highly dissimilar properties. This amino acid position is not well conserved in available vertebrate species. In addition, this alteration is predicted to be tolerated by in silico analysis. Since supporting evidence is limited at this time, the clinical significance of this alteration remains unclear.

University of Washington Department of Laboratory Medicine, University of Washington
Classification: Likely benign for Hereditary cancer-predisposing syndrome. Last evaluated: 2023-03-23. Review status: criteria provided, single submitter. Criteria: Dines et al. (Genet Med. 2020). Collection method: curation. Allele origin: germline.
Comment: Missense variant in a coldspot region where missense variants are very unlikely to be pathogenic (PMID:31911673).

BRCA2 exon 11 coldspot. Reclassification based on statistical prior probability.

Labcorp Genetics (formerly Invitae), Labcorp
Classification: Uncertain significance for Hereditary breast ovarian cancer syndrome. Last evaluated: 2023-01-13. Review status: criteria provided, single submitter. Criteria: Invitae Variant Classification Sherloc (09022015). Collection method: clinical testing. Allele origin: germline.
Comment: In summary, the available evidence is currently insufficient to determine the role of this variant in disease. Therefore, it has been classified as a Variant of Uncertain Significance. Advanced modeling of protein sequence and biophysical properties (such as structural, functional, and spatial information, amino acid conservation, physicochemical variation, residue mobility, and thermodynamic stability) performed at Invitae indicates that this missense variant is not expected to disrupt BRCA2 protein function. ClinVar contains an entry for this variant (Variation ID: 1477176). This variant has not been reported in the literature in individuals affected with BRCA2-related conditions. This variant is not present in population databases (gnomAD no frequency). This sequence change replaces serine, which is neutral and polar, with phenylalanine, which is neutral and non-polar, at codon 1659 of the BRCA2 protein (p.Ser1659Phe).

NM_000059.4(BRCA2):c.4976C>T (p.Ser1659Phe)

Gene: BRCA2 (BRCA2 DNA repair associated; plus strand). Cytogenetic location: 13q13.1.
Variant type: single nucleotide variant.
Coding change: c.4976C>T on transcript NM_000059.4 (MANE Select); coding-DNA position 4976, C replaced by T.
Protein change: p.Ser1659Phe; replaces serine 1659 with phenylalanine.
Molecular consequence: missense variant.
Genome position (GRCh38, 1-based): chr13:32,339,331, C>T. VCF-style: chr13-32339331-C-T. GRCh37 (hg19) VCF-style: chr13-32913468-C-T.
Other names: short protein forms S1659F.
Identifiers: ClinVar variation 1477176 (VCV001477176.12), dbSNP rs1222542759, ClinGen allele CA387783850.